The following is an entry in ClinVar:

ClinVar aggregate classification (germline): Uncertain significance (1 of 4 stars; one submission).

Conditions:
KBG syndrome (KBGS). Also called: ANKRD11-Related KBG Syndrome. Identifiers: Orphanet 2332, MedGen C0220687, MONDO:0007846, OMIM 148050.

Submission:

Labcorp Genetics (formerly Invitae), Labcorp
Classification: Uncertain significance for KBG syndrome. Last evaluated: 2025-09-20. Review status: criteria provided, single submitter. Criteria: Invitae Variant Classification Sherloc (09022015). Collection method: clinical testing. Allele origin: germline.
Comment: This sequence change replaces aspartic acid, which is acidic and polar, with glycine, which is neutral and non-polar, at codon 1628 of the ANKRD11 protein (p.Asp1628Gly). This variant is not present in population databases (gnomAD no frequency). This variant has not been reported in the literature in individuals affected with ANKRD11-related conditions. Invitae Evidence Modeling of protein sequence and biophysical properties (such as structural, functional, and spatial information, amino acid conservation, physicochemical variation, residue mobility, and thermodynamic stability) indicates that this missense variant is not expected to disrupt ANKRD11 protein function with a negative predictive value of 95%. In summary, the available evidence is currently insufficient to determine the role of this variant in disease. Therefore, it has been classified as a Variant of Uncertain Significance.

NM_013275.6(ANKRD11):c.4883A>G (p.Asp1628Gly)

Gene: ANKRD11 (ankyrin repeat domain 11; minus strand). Cytogenetic location: 16q24.3.
Variant type: single nucleotide variant.
Coding change: c.4883A>G on transcript NM_013275.6 (MANE Select); coding-DNA position 4883, A replaced by G.
Protein change: p.Asp1628Gly; replaces aspartic acid 1628 with glycine.
Molecular consequence: missense variant.
Genome position (GRCh38, 1-based): chr16:89,281,659, T>C on the plus strand (A>G on the coding strand, the complement: ANKRD11 is on the minus strand). VCF-style: chr16-89281659-T-C. GRCh37 (hg19) VCF-style: chr16-89348067-T-C.
Other names: c.4883A>G, p.Asp1628Gly (NM_001256182.2, NM_001256183.2); short protein forms D1628G.
Identifiers: ClinVar variation 4802794 (VCV004802794.1).